The following is an entry in ClinVar:

NM_004415.4(DSP):c.1381ATT[1] (p.Ile462del)

Gene: DSP (desmoplakin; plus strand). Cytogenetic location: 6p24.3.
Variant type: Microsatellite.
Coding change: c.1381ATT[1] on transcript NM_004415.4 (MANE Select); one copy of the 3-base unit ATT starting at c.1381; the reference has two copies in a row; one copy, 3 bases deleted.
Protein change: p.Ile462del; deletes isoleucine 462.
Molecular consequence: inframe deletion.
Genome position (GRCh38, 1-based): chr6:7,568,554-7,568,556, ATT deleted; deleting any 3 consecutive bases within chr6:7,568,551-7,568,556 gives the same sequence; the position shown is the placement nearest the transcript's 3' end. VCF-style (leftmost placement, unchanged base first): chr6-7568550-CATT-C. GRCh37 (hg19) VCF-style: chr6-7568783-CATT-C.
Other names: c.1381ATT[1], p.Ile462del (NM_001008844.3, NM_001319034.2); short protein forms I462del.
Identifiers: ClinVar variation 36017 (VCV000036017.3), dbSNP rs193922668, ClinGen allele CA004913.
Genomic context (GRCh38, chr6:7,568,550, plus strand): 5'-CAAGTCTAAGAAGATTGTACAGCTGAAGCCTCGTAACCCAGACTACAGAAGCAATAAACC[CATT>C]ATTCTCAGAGCTCTCTGTGACTACAAACAAGATCAGGTGTGTACTCATTTAGAATGATAC-3'

ClinVar aggregate classification (germline): Likely pathogenic (1 of 4 stars; one submission).

Conditions:
Cardiomyopathy (CMYO). Also called: Cardiomyopathies. Identifiers: Orphanet 167848, MedGen C0878544, MONDO:0004994, HP:0001638. Inheritance: Various modes of inheritance.

Submission:

Women's Health and Genetics/Laboratory Corporation of America, LabCorp
Classification: Likely pathogenic for Cardiomyopathy. Last evaluated: 2011-08-18. Review status: criteria provided, single submitter. Criteria: LabCorp Variant Classification Summary - May 2015. Collection method: curation. Allele origin: germline. Inheritance: autosomal unknown. Affected: yes.
ClinVar note: Converted during submission from likely pathogenic to Likely pathogenic.